The following is an entry in ClinVar:

NM_020366.4(RPGRIP1):c.218+6T>C

Gene: RPGRIP1 (RPGR interacting protein 1; plus strand). Cytogenetic location: 14q11.2.
Variant type: single nucleotide variant.
Coding change: c.218+6T>C on transcript NM_020366.4 (MANE Select); 6 bases into the intron after coding-DNA position 218, T replaced by C.
Molecular consequence: intron variant.
Genome position (GRCh38, 1-based): chr14:21,294,815, T>C. VCF-style: chr14-21294815-T-C. GRCh37 (hg19) VCF-style: chr14-21762974-T-C.
Identifiers: ClinVar variation 963379 (VCV000963379.8), dbSNP rs370643056, ClinGen allele CA7088594.
Genomic context (GRCh38, chr14:21,294,815, plus strand): 5'-AAGATCACATGTTGGTGAAGGAGCTTTCTTGGAAGCAACAGGATGAGATCAAAAGGTACT[T>C]AGAGTTCTCCTTAAATTTTTTTTTTTTTTTTTTTTTTTTTTTTTTTTGAGACGGAGCCTT-3'

ClinVar aggregate classification (germline): Conflicting classifications of pathogenicity. Review status: criteria provided, conflicting classifications (1 of 4 stars). 3 submissions from 3 submitters: Uncertain significance (1); Likely benign (1). 1 of the submissions does not count toward it. Last evaluated 2024-10-22.

Conditions:
Retinal dystrophy. Also called: Inherited retinal dystrophy. Identifiers: Orphanet 71862, MedGen C0854723, MeSH D058499, MONDO:0019118, HP:0000556.
Cone-rod dystrophy 13 (CORD13). Identifiers: Orphanet 1872, MedGen C2750720, MONDO:0011987, OMIM 608194.
Leber congenital amaurosis 6 (LCA6). Identifiers: Orphanet 65, MedGen C1854260, MONDO:0013446, OMIM 613826.

Allele frequency attached by ClinVar (database versions not stated): gnomAD exomes 0.00016 and 0.00023; gnomAD 0.00019 and 0.00021; ExAC 0.00014; TOPMed 0.00014; ESP Exome Variant Server 0.00025.
gnomAD v4.1: 333 of 1,488,180 alleles (0.022%); highest among the groups gnomAD compares: Non-Finnish European, 0.028%; no homozygotes.

Submissions (3):

Labcorp Genetics (formerly Invitae), Labcorp
Classification: Uncertain significance for Leber congenital amaurosis 6; Cone-rod dystrophy 13. Last evaluated: 2024-10-22. Review status: criteria provided, single submitter. Criteria: Invitae Variant Classification Sherloc (09022015). Collection method: clinical testing. Allele origin: germline.
Comment: This sequence change falls in intron 2 of the RPGRIP1 gene. It does not directly change the encoded amino acid sequence of the RPGRIP1 protein. It affects a nucleotide within the consensus splice site. This variant is present in population databases (rs370643056, gnomAD 0.03%). This variant has not been reported in the literature in individuals affected with RPGRIP1-related conditions. ClinVar contains an entry for this variant (Variation ID: 963379). Variants that disrupt the consensus splice site are a relatively common cause of aberrant splicing (PMID: 17576681, 9536098). Algorithms developed to predict the effect of sequence changes on RNA splicing suggest that this variant is not likely to affect RNA splicing. In summary, the available evidence is currently insufficient to determine the role of this variant in disease. Therefore, it has been classified as a Variant of Uncertain Significance.

Blueprint Genetics
Classification: Likely benign. Last evaluated: 2024-08-21. Review status: criteria provided, single submitter. Criteria: ACMG Guidelines, 2015. Collection method: clinical testing. Allele origin: germline.

Institute of Human Genetics, Univ. Regensburg, Univ. Regensburg
Classification: Uncertain significance for Retinal dystrophy. Last evaluated: 2023-01-01. Review status: no assertion criteria provided. Criteria: ACMG Guidelines, 2015. Collection method: clinical testing. Allele origin: germline. Affected: yes. Not counted in ClinVar's aggregate classification.

Literature cited by the submitters: PubMed 17576681 (cited by Labcorp Genetics (formerly Invitae), Labcorp); PubMed 9536098 (cited by Labcorp Genetics (formerly Invitae), Labcorp).